The following is an entry in ClinVar:

ClinVar aggregate classification (germline): Uncertain significance (1 of 4 stars; one submission).

gnomAD v4.1: 1 of 1,611,568 alleles (0.000062%); highest among the groups gnomAD compares: Non-Finnish European, 0.000085%; no homozygotes.

Submission:

GeneDx
Classification: Uncertain significance. Last evaluated: 2023-12-16. Review status: criteria provided, single submitter. Criteria: GeneDx Variant Classification Process June 2021. Collection method: clinical testing. Allele origin: germline. Affected: yes.
Comment: Not observed at significant frequency in large population cohorts (gnomAD); In silico analysis supports that this missense variant has a deleterious effect on protein structure/function; Has not been previously published as pathogenic or benign to our knowledge

NM_001273.5(CHD4):c.104A>G (p.Asn35Ser)

Gene: CHD4 (chromodomain helicase DNA binding protein 4; minus strand). Cytogenetic location: 12p13.31.
Variant type: single nucleotide variant.
Coding change: c.104A>G on transcript NM_001273.5 (MANE Select); coding-DNA position 104, A replaced by G.
Protein change: p.Asn35Ser; replaces asparagine 35 with serine.
Molecular consequence: missense variant.
Genome position (GRCh38, 1-based): chr12:6,602,494, T>C on the plus strand (A>G on the coding strand, the complement: CHD4 is on the minus strand). VCF-style: chr12-6602494-T-C. GRCh37 (hg19) VCF-style: chr12-6711660-T-C.
Other names: c.104A>G, p.Asn35Ser (NM_001297553.2, NM_001363606.2); short protein forms N35S.
Identifiers: ClinVar variation 3365712 (VCV003365712.1).